The following is an entry in ClinVar:

ClinVar aggregate classification (germline): Uncertain significance (1 of 4 stars; one submission).

Conditions:
Hereditary cancer-predisposing syndrome. Also called: Neoplastic Syndromes, Hereditary; Tumor predisposition; Hereditary Cancer Syndrome; Hereditary neoplastic syndrome. Identifiers: Orphanet 140162, MedGen C0027672, MeSH D009386, MONDO:0015356.

Submission:

Ambry Genetics
Classification: Uncertain significance for Hereditary cancer-predisposing syndrome. Last evaluated: 2026-03-17. Review status: criteria provided, single submitter. Criteria: Ambry Variant Classification Scheme 2023. Collection method: clinical testing. Allele origin: germline.
Comment: The p.A1201S variant (also known as c.3601G>T), located in coding exon 28 of the EGFR gene, results from a G to T substitution at nucleotide position 3601. The alanine at codon 1201 is replaced by serine, an amino acid with similar properties. This amino acid position is conserved. In addition, this alteration is predicted to be tolerated by in silico analysis. Based on the available evidence, the clinical significance of this variant remains unclear.

NM_005228.5(EGFR):c.3601G>T (p.Ala1201Ser)

Gene: EGFR (epidermal growth factor receptor; plus strand). Cytogenetic location: 7p11.2.
Variant type: single nucleotide variant.
Coding change: c.3601G>T on transcript NM_005228.5 (MANE Select); coding-DNA position 3601, G replaced by T.
Protein change: p.Ala1201Ser; replaces alanine 1201 with serine.
Molecular consequence: missense variant.
Genome position (GRCh38, 1-based): chr7:55,205,585, G>T. VCF-style: chr7-55205585-G-T. GRCh37 (hg19) VCF-style: chr7-55273278-G-T.
Other names: c.3466G>T, p.Ala1156Ser (NM_001346899.2); c.3442G>T, p.Ala1148Ser (NM_001346900.2); c.2800G>T, p.Ala934Ser (NM_001346941.2); short protein forms A1148S, A1156S, A1201S, A934S.
Identifiers: ClinVar variation 4870213 (VCV004870213.1).
Genomic context (GRCh38, chr7:55,205,585, plus strand): 5'-GCCAAGCCAAATGGCATCTTTAAGGGCTCCACAGCTGAAAATGCAGAATACCTAAGGGTC[G>T]CGCCACAAAGCAGTGAATTTATTGGAGCATGACCACGGAGGATAGTATGAGCCCTAAAAA-3'
Protein context (NP_005219.2, residues 1191-1210): TAENAEYLRV[Ala1201Ser]PQSSEFIGA